The following is an entry in ClinVar:

ClinVar aggregate classification (germline): Uncertain significance (1 of 4 stars; one submission).

Conditions:
FBXO11-related disorder. Also called: FBXO11-related condition.

Allele frequency attached by ClinVar (database versions not stated): gnomAD exomes below 0.00001.
gnomAD v4.1: 5 of 1,523,026 alleles (0.00033%); highest among the groups gnomAD compares: Non-Finnish European, 0.00044%; no homozygotes.

Submission:

PreventionGenetics, part of Exact Sciences
Classification: Uncertain significance for FBXO11-related condition. Last evaluated: 2022-12-06. Review status: criteria provided, single submitter. Criteria: ACMG Guidelines, 2015. Collection method: clinical testing. Allele origin: germline.
Comment: The FBXO11 c.20C>T variant is predicted to result in the amino acid substitution p.Ala7Val. To our knowledge, this variant has not been reported in the literature or in a large population database, indicating this variant is rare. At this time, the clinical significance of this variant is uncertain due to the absence of conclusive functional and genetic evidence.

NM_001190274.2(FBXO11):c.20C>T (p.Ala7Val)

Genes: FBXO11 (F-box protein 11; minus strand), LOC100506235 (uncharacterized LOC100506235; plus strand). Cytogenetic location: 2p16.3.
Variant type: single nucleotide variant.
Coding change: c.20C>T on transcript NM_001190274.2 (MANE Select); coding-DNA position 20, C replaced by T.
Protein change: p.Ala7Val; replaces alanine 7 with valine.
Molecular consequence: missense variant. On other transcripts: non-coding transcript variant (1).
Genome position (GRCh38, 1-based): chr2:47,905,701, G>A on the plus strand (C>T on the coding strand, the complement: FBXO11 is on the minus strand). VCF-style: chr2-47905701-G-A. GRCh37 (hg19) VCF-style: chr2-48132840-G-A.
Other names: short protein forms A7V.
Identifiers: ClinVar variation 2635358 (VCV002635358.1), dbSNP rs1211533218, ClinGen allele CA346813165.